The following is an entry in ClinVar:

ClinVar aggregate classification (germline): Likely benign. Review status: criteria provided, multiple submitters, no conflicts (2 of 4 stars). 3 submissions from 3 submitters: Likely benign (3). Last evaluated 2025-11-10.

Conditions:
RAX2-related disorder. Also called: RAX2-related disorders; RAX2-related condition.

Allele frequency attached by ClinVar (database versions not stated): gnomAD 0.00007 and 0.00011; gnomAD exomes 0.00007 and 0.00014; TOPMed 0.00012; 1000 Genomes Project 30x 0.00047; 1000 Genomes Project 0.00060.
gnomAD v4.1: 210 of 1,538,430 alleles (0.014%); highest among the groups gnomAD compares: East Asian, 0.39%; no homozygotes.

Submissions (3):

PreventionGenetics, part of Exact Sciences
Classification: Likely benign for RAX2-related condition. Last evaluated: 2025-11-10. Review status: criteria provided, single submitter. Criteria: ACMG Guidelines, 2015. Collection method: clinical testing. Allele origin: germline.
Comment: This variant is classified as likely benign based on ACMG/AMP sequence variant interpretation guidelines (Richards et al. 2015 PMID: 25741868, with internal and published modifications).

Labcorp Genetics (formerly Invitae), Labcorp
Classification: Likely benign. Last evaluated: 2024-05-01. Review status: criteria provided, single submitter. Criteria: Invitae Variant Classification Sherloc (09022015). Collection method: clinical testing. Allele origin: germline.

Blueprint Genetics
Classification: Likely benign. Last evaluated: 2022-10-14. Review status: criteria provided, single submitter. Criteria: ACMG Guidelines, 2015. Collection method: clinical testing. Allele origin: germline.

NM_001319074.4(RAX2):c.294G>A (p.Pro98=)

Gene: RAX2 (retina and anterior neural fold homeobox 2; minus strand). Cytogenetic location: 19p13.3.
Variant type: single nucleotide variant.
Coding change: c.294G>A on transcript NM_001319074.4 (MANE Select); coding-DNA position 294, G replaced by A.
Protein change: p.Pro98=; no amino-acid change (proline 98 retained).
Molecular consequence: synonymous variant.
Genome position (GRCh38, 1-based): chr19:3,770,882, C>T on the plus strand (G>A on the coding strand, the complement: RAX2 is on the minus strand). VCF-style: chr19-3770882-C-T. GRCh37 (hg19) VCF-style: chr19-3770880-C-T.
Other names: c.294G>A, p.Pro98= (NM_032753.4); c.294G>A (NM_032753.3).
Identifiers: ClinVar variation 1087227 (VCV001087227.11), dbSNP rs191051622, ClinGen allele CA9085053.